The following is an entry in ClinVar:

ClinVar aggregate classification (germline): Likely benign (1 of 4 stars; one submission).

Conditions:
CFTR-related disorder (CFTR-RD). Also called: CFTR-related condition; CFTR-related disorders. Identifiers: MedGen C5924204, MONDO:7770004.

gnomAD v4.1: 1 of 152,132 alleles (0.00066%); highest among the groups gnomAD compares: African/African-American, 0.0024%; no homozygotes.

Submission:

PreventionGenetics, part of Exact Sciences
Classification: Likely benign for CFTR-related condition. Last evaluated: 2026-09-08. Review status: criteria provided, single submitter. Criteria: ACMG Guidelines, 2015. Collection method: clinical testing. Allele origin: germline.
Comment: This variant is classified as likely benign based on ACMG/AMP sequence variant interpretation guidelines (Richards et al. 2015 PMID: 25741868, with internal and published modifications).

NM_000492.4(CFTR):c.3469-319A>T

Genes: CFTR (CF transmembrane conductance regulator; plus strand), CFTR-AS2 (CFTR antisense RNA 2; minus strand). Cytogenetic location: 7q31.2.
Variant type: single nucleotide variant.
Coding change: c.3469-319A>T on transcript NM_000492.4 (MANE Select); 319 bases into the intron before coding-DNA position 3469, A replaced by T.
Molecular consequence: intron variant.
Genome position (GRCh38, 1-based): chr7:117,627,203, A>T. VCF-style: chr7-117627203-A-T. GRCh37 (hg19) VCF-style: chr7-117267257-A-T.
Identifiers: ClinVar variation 4994638 (VCV004994638.1).